The following is an entry in ClinVar:

NM_022835.3(PLEKHG2):c.3737C>T (p.Ser1246Phe)

Gene: PLEKHG2 (pleckstrin homology and RhoGEF domain containing G2; plus strand). Cytogenetic location: 19q13.2.
Variant type: single nucleotide variant.
Coding change: c.3737C>T on transcript NM_022835.3 (MANE Select); coding-DNA position 3737, C replaced by T.
Protein change: p.Ser1246Phe; replaces serine 1246 with phenylalanine.
Molecular consequence: missense variant. On other transcripts: intron variant (1).
Genome position (GRCh38, 1-based): chr19:39,424,870, C>T. VCF-style: chr19-39424870-C-T. GRCh37 (hg19) VCF-style: chr19-39915510-C-T.
Other names: c.3560C>T, p.Ser1187Phe (NM_001351693.2); c.1678-368C>T (NM_001351694.2); c.3737C>T (NM_022835.2); short protein forms S1246F, S1187F.
Identifiers: ClinVar variation 2181959 (VCV002181959.5), dbSNP rs368141846, ClinGen allele CA9430033.

ClinVar aggregate classification (germline): Uncertain significance. Review status: criteria provided, multiple submitters, no conflicts (2 of 4 stars). 2 submissions from 2 submitters: Uncertain significance (2). Last evaluated 2023-10-05.

Allele frequency attached by ClinVar (database versions not stated): ExAC 0.00002; gnomAD exomes 0.00002; TOPMed 0.00002; ESP Exome Variant Server 0.00008.
gnomAD v4.1: 30 of 1,614,122 alleles (0.0019%); highest among the groups gnomAD compares: Admixed American, 0.0033%; no homozygotes.

Submissions (2):

Ambry Genetics
Classification: Uncertain significance. Last evaluated: 2023-10-05. Review status: criteria provided, single submitter. Criteria: Ambry Variant Classification Scheme 2023. Collection method: clinical testing. Allele origin: germline.

Labcorp Genetics (formerly Invitae), Labcorp
Classification: Uncertain significance. Last evaluated: 2022-07-06. Review status: criteria provided, single submitter. Criteria: Invitae Variant Classification Sherloc (09022015). Collection method: clinical testing. Allele origin: germline.
Comment: In summary, the available evidence is currently insufficient to determine the role of this variant in disease. Therefore, it has been classified as a Variant of Uncertain Significance. Algorithms developed to predict the effect of missense changes on protein structure and function (SIFT, PolyPhen-2, Align-GVGD) all suggest that this variant is likely to be disruptive. This variant has not been reported in the literature in individuals affected with PLEKHG2-related conditions. This variant is present in population databases (rs368141846, gnomAD 0.006%). This sequence change replaces serine, which is neutral and polar, with phenylalanine, which is neutral and non-polar, at codon 1246 of the PLEKHG2 protein (p.Ser1246Phe).